The following is an entry in ClinVar:

NM_000051.4(ATM):c.2957T>C (p.Val986Ala)

Gene: ATM (ATM serine/threonine kinase; plus strand). Cytogenetic location: 11q22.3.
Variant type: single nucleotide variant.
Coding change: c.2957T>C on transcript NM_000051.4 (MANE Select); coding-DNA position 2957, T replaced by C.
Protein change: p.Val986Ala; replaces valine 986 with alanine.
Molecular consequence: missense variant.
Genome position (GRCh38, 1-based): chr11:108,271,286, T>C. VCF-style: chr11-108271286-T-C. GRCh37 (hg19) VCF-style: chr11-108142013-T-C.
Other names: c.2957T>C, p.Val986Ala (NM_001351834.2); short protein forms V986A.
Identifiers: ClinVar variation 480882 (VCV000480882.15), dbSNP rs373225328, ClinGen allele CA6265164.
Genomic context (GRCh38, chr11:108,271,286, plus strand): 5'-AACTTTTTTTTTTTTTTTACCACAGCAATGTGTGTTCTTTGTATCGTCGTGACCAAGATG[T>C]TTGTAAAACTATTTTAAACCATGTCCTTCATGTAGTGAAAAACCTAGGTCAAAGCAATAT-3'
Protein context (NP_000042.3, residues 976-996): VCSLYRRDQD[Val986Ala]CKTILNHVLH

ClinVar aggregate classification (germline): Uncertain significance. Review status: criteria provided, multiple submitters, no conflicts (2 of 4 stars). 4 submissions from 4 submitters: Uncertain significance (4). Last evaluated 2026-01-17.

Conditions:
Hereditary cancer-predisposing syndrome. Also called: Hereditary neoplastic syndrome; Neoplastic Syndromes, Hereditary; Tumor predisposition; Hereditary Cancer Syndrome. Identifiers: Orphanet 140162, MedGen C0027672, MeSH D009386, MONDO:0015356.
Ataxia-telangiectasia syndrome (AT). Also called: LOUIS-BAR SYNDROME; Cerebello-oculocutaneous telangiectasia; Immunodeficiency with ataxia telangiectasia; AT, COMPLEMENTATION GROUP C; Ataxia-telangiectasia, complementation group D; ATAXIA-TELANGIECTASIA, COMPLEMENTATION GROUP A. Identifiers: Orphanet 100, MedGen C0004135, MONDO:0008840, OMIM 208900.

Allele frequency attached by ClinVar (database versions not stated): TOPMed below 0.00001; ExAC 0.00001; gnomAD exomes 0.00001; ESP Exome Variant Server 0.00008.
gnomAD v4.1: 7 of 1,613,990 alleles (0.00043%); highest among the groups gnomAD compares: Non-Finnish European, 0.00059%; no homozygotes.

Submissions (4):

Labcorp Genetics (formerly Invitae), Labcorp
Classification: Uncertain significance for Ataxia-telangiectasia syndrome. Last evaluated: 2026-01-17. Review status: criteria provided, single submitter. Criteria: Invitae Variant Classification Sherloc (09022015). Collection method: clinical testing. Allele origin: germline.
Comment: This sequence change replaces valine, which is neutral and non-polar, with alanine, which is neutral and non-polar, at codon 986 of the ATM protein (p.Val986Ala). This variant is present in population databases (rs373225328, gnomAD 0.0009%). This variant has not been reported in the literature in individuals affected with ATM-related conditions. ClinVar contains an entry for this variant (Variation ID: 480882). Invitae Evidence Modeling of protein sequence and biophysical properties (such as structural, functional, and spatial information, amino acid conservation, physicochemical variation, residue mobility, and thermodynamic stability) indicates that this missense variant is not expected to disrupt ATM protein function with a negative predictive value of 95%. In summary, the available evidence is currently insufficient to determine the role of this variant in disease. Therefore, it has been classified as a Variant of Uncertain Significance.

Ambry Genetics
Classification: Uncertain significance for Hereditary cancer-predisposing syndrome. Last evaluated: 2025-08-01. Review status: criteria provided, single submitter. Criteria: Ambry Variant Classification Scheme 2023. Collection method: clinical testing. Allele origin: germline.
Comment: The p.V986A variant (also known as c.2957T>C), located in coding exon 19 of the ATM gene, results from a T to C substitution at nucleotide position 2957. The valine at codon 986 is replaced by alanine, an amino acid with similar properties. This amino acid position is highly conserved in available vertebrate species. In addition, the in silico prediction for this alteration is inconclusive. Based on the available evidence, the clinical significance of this variant remains unclear.

Color Diagnostics, LLC DBA Color Health
Classification: Uncertain significance for Hereditary cancer-predisposing syndrome. Last evaluated: 2024-03-06. Review status: criteria provided, single submitter. Criteria: ACMG Guidelines, 2015. Collection method: clinical testing. Allele origin: germline.
Comment: This missense variant replaces valine with alanine at codon 986 of the ATM protein. Computational prediction suggests that this variant may not impact protein structure and function (internally defined REVEL score threshold <= 0.5, PMID: 27666373). To our knowledge, functional studies have not been reported for this variant. This variant has not been reported in individuals affected with hereditary cancer in the literature. This variant has not been identified in the general population by the Genome Aggregation Database (gnomAD). The available evidence is insufficient to determine the role of this variant in disease conclusively. Therefore, this variant is classified as a Variant of Uncertain Significance.

GeneDx
Classification: Uncertain significance. Last evaluated: 2023-12-01. Review status: criteria provided, single submitter. Criteria: GeneDx Variant Classification Process June 2021. Collection method: clinical testing. Allele origin: germline. Affected: yes.
Comment: Not observed at significant frequency in large population cohorts (gnomAD); In silico analysis supports that this missense variant does not alter protein structure/function; Has not been previously published as pathogenic or benign to our knowledge; This variant is associated with the following publications: (PMID: 19781682)